The following is an entry in ClinVar:

NM_007294.4(BRCA1):c.5075-1139del

Gene: BRCA1 (BRCA1 DNA repair associated; minus strand). Cytogenetic location: 17q21.31.
Variant type: Deletion.
Coding change: c.5075-1139del on transcript NM_007294.4 (MANE Select); 1139 bases into the intron before coding-DNA position 5075, one base deleted (T; older notation c.5075-1139delT).
Molecular consequence: intron variant.
Genome position (GRCh38, 1-based): chr17:43,065,090, A deleted on the plus strand (T on the coding strand, the reverse complement: BRCA1 is on the minus strand); the first of 3 consecutive A bases (chr17:43,065,090-43,065,092); deleting any one gives the same sequence. VCF-style (leftmost placement, unchanged base first): chr17-43065089-CA-C. GRCh37 (hg19) VCF-style: chr17-41217106-CA-C.
Other names: IVS 17-1139del; c.1622-1139del (NM_001408458.1, NM_001408461.1, NM_001408464.1 and 7 more transcripts); c.4184-1139del (NM_001407967.1); c.4694-1139del (NM_001407959.1); c.4808-1139del (NM_001407931.1, NM_001407932.1, NM_001407928.1 and 4 more transcripts); c.4931-1139del (NM_001407747.1, NM_001407745.1, NM_001407737.1 and 21 more transcripts); c.4691-1139del (NM_001407962.1, NM_001407960.1); c.1262-1139del (NM_001408512.1); and 74 more.
Identifiers: ClinVar variation 209330 (VCV000209330.2), dbSNP rs8176247, ClinGen allele CA276302.

ClinVar aggregate classification (germline): Benign (3 of 4 stars; one submission).

Conditions:
Breast-ovarian cancer, familial, susceptibility to, 1 (BROVCA1). Also called: BRCA1 Hereditary Breast and Ovarian Cancer; OVARIAN CANCER, SUSCEPTIBILITY TO. Identifiers: Orphanet 145, MedGen C2676676, MONDO:0011450, OMIM 604370. Disease mechanism: loss of function.

Submission:

Evidence-based Network for the Interpretation of Germline Mutant Alleles (ENIGMA)
Classification: Benign for Breast-ovarian cancer, familial 1. Last evaluated: 2015-01-12. Review status: reviewed by expert panel. Criteria: ENIGMA BRCA1/2 Classification Criteria (2015). Collection method: curation. Allele origin: germline.
Comment: Class 1 not pathogenic based on frequency >1% in an outbred sampleset. Frequency 0.05 (African), derived from 1000 genomes (2012-04-30).